The following is an entry in ClinVar:

ClinVar aggregate classification (germline): Uncertain significance (1 of 4 stars; one submission).

Allele frequency attached by ClinVar (database versions not stated): ExAC 0.00001; gnomAD 0.00001; gnomAD exomes 0.00001; TOPMed 0.00002.
gnomAD v4.1: 5 of 1,614,058 alleles (0.00031%); highest among the groups gnomAD compares: African/African-American, 0.0067%; no homozygotes.

Submission:

Labcorp Genetics (formerly Invitae), Labcorp
Classification: Uncertain significance. Last evaluated: 2022-06-20. Review status: criteria provided, single submitter. Criteria: Invitae Variant Classification Sherloc (09022015). Collection method: clinical testing. Allele origin: germline.
Comment: This variant is present in population databases (rs777028501, gnomAD 0.02%). In summary, the available evidence is currently insufficient to determine the role of this variant in disease. Therefore, it has been classified as a Variant of Uncertain Significance. Algorithms developed to predict the effect of missense changes on protein structure and function are either unavailable or do not agree on the potential impact of this missense change (SIFT: "Deleterious"; PolyPhen-2: "Benign"; Align-GVGD: "Class C0"). ClinVar contains an entry for this variant (Variation ID: 864456). This variant has not been reported in the literature in individuals affected with AHR-related conditions. This sequence change replaces lysine, which is basic and polar, with glutamic acid, which is acidic and polar, at codon 438 of the AHR protein (p.Lys438Glu).

NM_001621.5(AHR):c.1312A>G (p.Lys438Glu)

Gene: AHR (aryl hydrocarbon receptor; plus strand). Cytogenetic location: 7p21.1.
Variant type: single nucleotide variant.
Coding change: c.1312A>G on transcript NM_001621.5 (MANE Select); coding-DNA position 1312, A replaced by G.
Protein change: p.Lys438Glu; replaces lysine 438 with glutamic acid.
Molecular consequence: missense variant.
Genome position (GRCh38, 1-based): chr7:17,339,137, A>G. VCF-style: chr7-17339137-A-G. GRCh37 (hg19) VCF-style: chr7-17378761-A-G.
Other names: short protein forms K438E.
Identifiers: ClinVar variation 864456 (VCV000864456.9), dbSNP rs777028501, ClinGen allele CA4172084.